The following is an entry in ClinVar:

ClinVar aggregate classification (germline): Uncertain significance. Review status: criteria provided, multiple submitters, no conflicts (2 of 4 stars). 4 submissions from 4 submitters: Uncertain significance (4). Last evaluated 2025-12-01.

Conditions:
Global developmental delay - lung cysts - overgrowth - Wilms tumor syndrome. Also called: GLOBAL DEVELOPMENTAL DELAY, LUNG CYSTS, OVERGROWTH, AND WILMS TUMOR; GLOW Syndrome. Identifiers: Orphanet 404476, MedGen C4748924, MONDO:0018445, OMIM 618272.
DICER1-related tumor predisposition. Also called: DICER1-related pleuropulmonary blastoma cancer predisposition syndrome; DICER1 syndrome. Identifiers: Orphanet 284343, MedGen C3839822, MONDO:0100216.
Hereditary cancer-predisposing syndrome. Also called: Neoplastic Syndromes, Hereditary; Hereditary Cancer Syndrome; Hereditary neoplastic syndrome; Tumor predisposition. Identifiers: Orphanet 140162, MedGen C0027672, MeSH D009386, MONDO:0015356.

Allele frequency attached by ClinVar (database versions not stated): gnomAD exomes below 0.00001; TOPMed below 0.00001; ExAC 0.00001; gnomAD 0.00001.
gnomAD v4.1: 3 of 1,614,024 alleles (0.00019%); highest among the groups gnomAD compares: African/African-American, 0.0027%; no homozygotes.

Submissions (4):

Labcorp Genetics (formerly Invitae), Labcorp
Classification: Uncertain significance for DICER1-related tumor predisposition. Last evaluated: 2025-12-01. Review status: criteria provided, single submitter. Criteria: Invitae Variant Classification Sherloc (09022015). Collection method: clinical testing. Allele origin: germline.
Comment: This sequence change replaces asparagine, which is neutral and polar, with aspartic acid, which is acidic and polar, at codon 1848 of the DICER1 protein (p.Asn1848Asp). This variant is present in population databases (rs748931250, gnomAD 0.007%). This variant has not been reported in the literature in individuals affected with DICER1-related conditions. ClinVar contains an entry for this variant (Variation ID: 825817). Invitae Evidence Modeling of protein sequence and biophysical properties (such as structural, functional, and spatial information, amino acid conservation, physicochemical variation, residue mobility, and thermodynamic stability) indicates that this missense variant is not expected to disrupt DICER1 protein function with a negative predictive value of 95%. In summary, the available evidence is currently insufficient to determine the role of this variant in disease. Therefore, it has been classified as a Variant of Uncertain Significance.

GeneDx
Classification: Uncertain significance. Last evaluated: 2025-02-07. Review status: criteria provided, single submitter. Criteria: GeneDx Variant Classification Process June 2021. Collection method: clinical testing. Allele origin: germline. Affected: yes.
Comment: Not observed at significant frequency in large population cohorts (gnomAD); In silico analysis supports that this missense variant has a deleterious effect on protein structure/function; Has not been previously published as pathogenic or benign to our knowledge

Baylor Genetics
Classification: Uncertain significance for Global developmental delay - lung cysts - overgrowth - Wilms tumor syndrome. Last evaluated: 2024-01-03. Review status: criteria provided, single submitter. Criteria: ACMG Guidelines, 2015. Collection method: clinical testing. Allele origin: unknown.

Ambry Genetics
Classification: Uncertain significance for Hereditary cancer-predisposing syndrome. Last evaluated: 2023-03-14. Review status: criteria provided, single submitter. Criteria: Ambry Variant Classification Scheme 2023. Collection method: clinical testing. Allele origin: germline.
Comment: The p.N1848D variant (also known as c.5542A>G), located in coding exon 25 of the DICER1 gene, results from an A to G substitution at nucleotide position 5542. The asparagine at codon 1848 is replaced by aspartic acid, an amino acid with highly similar properties. This amino acid position is highly conserved in available vertebrate species. In addition, this alteration is predicted to be tolerated by in silico analysis. Since supporting evidence is limited at this time, the clinical significance of this alteration remains unclear.

NM_177438.3(DICER1):c.5542A>G (p.Asn1848Asp)

Gene: DICER1 (dicer 1, ribonuclease III; minus strand). Cytogenetic location: 14q32.13.
Variant type: single nucleotide variant.
Coding change: c.5542A>G on transcript NM_177438.3 (MANE Select); coding-DNA position 5542, A replaced by G.
Protein change: p.Asn1848Asp; replaces asparagine 1848 with aspartic acid.
Molecular consequence: missense variant. On other transcripts: synonymous variant (1).
Genome position (GRCh38, 1-based): chr14:95,091,095, T>C on the plus strand (A>G on the coding strand, the complement: DICER1 is on the minus strand). VCF-style: chr14-95091095-T-C. GRCh37 (hg19) VCF-style: chr14-95557432-T-C.
Other names: c.5379A>G, p.Gln1793= (NM_001195573.1); c.5542A>G, p.Asn1848Asp (NM_001271282.3, NM_001291628.2, NM_030621.4); short protein forms N1848D.
Identifiers: ClinVar variation 825817 (VCV000825817.9), dbSNP rs748931250, ClinGen allele CA7330633.
Genomic context (GRCh38, chr14:95,091,095, plus strand): 5'-TAAATTTGGCAGTTTCTGGTTCCATTTCAAGCAATTCTCGCACAGGGGAACGGGGTACAT[T>C]TGCAGAAAACTTTTCTGCAATCAAAATGAAAGAATAATATGAATAATATCTCTGAAGTTG-3'
Protein context (NP_803187.1, residues 1838-1858): MRPLIEKFSA[Asn1848Asp]VPRSPVRELL